The following is an entry in ClinVar:

NM_014516.4(CNOT3):c.1253G>C (p.Gly418Ala)

Gene: CNOT3 (CCR4-NOT transcription complex subunit 3; plus strand). Cytogenetic location: 19q13.42.
Variant type: single nucleotide variant.
Coding change: c.1253G>C on transcript NM_014516.4 (MANE Select); coding-DNA position 1253, G replaced by C.
Protein change: p.Gly418Ala; replaces glycine 418 with alanine.
Molecular consequence: missense variant.
Genome position (GRCh38, 1-based): chr19:54,148,506, G>C. VCF-style: chr19-54148506-G-C. GRCh37 (hg19) VCF-style: chr19-54652241-G-C.
Other names: short protein forms G418A.
Identifiers: ClinVar variation 2775938 (VCV002775938.3), dbSNP rs1306603642, ClinGen allele CA407765128.

ClinVar aggregate classification (germline): Uncertain significance (1 of 4 stars; one submission).

Allele frequency attached by ClinVar (database versions not stated): gnomAD exomes below 0.00001; gnomAD 0.00001; TOPMed 0.00001.
gnomAD v4.1: 4 of 1,559,958 alleles (0.00026%); highest among the groups gnomAD compares: Admixed American, 0.0055%; no homozygotes.

Submission:

Labcorp Genetics (formerly Invitae), Labcorp
Classification: Uncertain significance. Last evaluated: 2023-03-14. Review status: criteria provided, single submitter. Criteria: Invitae Variant Classification Sherloc (09022015). Collection method: clinical testing. Allele origin: germline.
Comment: This sequence change replaces glycine, which is neutral and non-polar, with alanine, which is neutral and non-polar, at codon 418 of the CNOT3 protein (p.Gly418Ala). This variant is present in population databases (no rsID available, gnomAD 0.007%). This variant has not been reported in the literature in individuals affected with CNOT3-related conditions. An algorithm developed to predict the effect of missense changes on protein structure and function (PolyPhen-2) suggests that this variant is likely to be disruptive. In summary, the available evidence is currently insufficient to determine the role of this variant in disease. Therefore, it has been classified as a Variant of Uncertain Significance.